The following is an entry in ClinVar:

NM_182548.4(LHFPL5):c.410C>T (p.Ala137Val)

Gene: LHFPL5 (LHFPL tetraspan subfamily member 5; plus strand). Cytogenetic location: 6p21.31.
Variant type: single nucleotide variant.
Coding change: c.410C>T on transcript NM_182548.4 (MANE Select); coding-DNA position 410, C replaced by T.
Protein change: p.Ala137Val; replaces alanine 137 with valine.
Molecular consequence: missense variant.
Genome position (GRCh38, 1-based): chr6:35,806,080, C>T. VCF-style: chr6-35806080-C-T. GRCh37 (hg19) VCF-style: chr6-35773857-C-T.
Other names: short protein forms A137V.
Identifiers: ClinVar variation 3368145 (VCV003368145.1).

ClinVar aggregate classification (germline): Uncertain significance (1 of 4 stars; one submission).

gnomAD v4.1: 4 of 1,613,556 alleles (0.00025%); highest among the groups gnomAD compares: Admixed American, 0.005%; no homozygotes.

Submission:

GeneDx
Classification: Uncertain significance. Last evaluated: 2024-01-25. Review status: criteria provided, single submitter. Criteria: GeneDx Variant Classification Process June 2021. Collection method: clinical testing. Allele origin: germline. Affected: yes.
Comment: Not observed at significant frequency in large population cohorts (gnomAD); In silico analysis supports that this missense variant has a deleterious effect on protein structure/function; Has not been previously published as pathogenic or benign to our knowledge